The following is an entry in ClinVar:

ClinVar aggregate classification (germline): Uncertain significance (1 of 4 stars; one submission).

Conditions:
Cardiovascular phenotype. Identifiers: MedGen CN230736.

gnomAD v4.1: 1 of 1,613,048 alleles (0.000062%); highest among the groups gnomAD compares: Non-Finnish European, 0.000085%; no homozygotes.

Submission:

Ambry Genetics
Classification: Uncertain significance for Cardiovascular phenotype. Last evaluated: 2025-05-08. Review status: criteria provided, single submitter. Criteria: Ambry Variant Classification Scheme 2023. Collection method: clinical testing. Allele origin: germline.
Comment: The p.G1118A variant (also known as c.3353G>C) is located in coding exon 19 of the SCN10A gene. The glycine at codon 1118 is replaced by alanine, an amino acid with similar properties. This change occurs in the first base pair of coding exon 19. This amino acid position is conserved. In addition, this alteration is predicted to be tolerated by in silico analysis. Based on the available evidence, the clinical significance of this variant remains unclear.

NM_006514.4(SCN10A):c.3353G>C (p.Gly1118Ala)

Genes: SCN10A (sodium voltage-gated channel alpha subunit 10; minus strand), LOC110121288 (VISTA enhancer hs2268; plus strand). Cytogenetic location: 3p22.2.
Variant type: single nucleotide variant.
Coding change: c.3353G>C on transcript NM_006514.4 (MANE Select); coding-DNA position 3353, G replaced by C.
Protein change: p.Gly1118Ala; replaces glycine 1118 with alanine.
Molecular consequence: missense variant.
Genome position (GRCh38, 1-based): chr3:38,722,412, C>G on the plus strand (G>C on the coding strand, the complement: SCN10A is on the minus strand). VCF-style: chr3-38722412-C-G. GRCh37 (hg19) VCF-style: chr3-38763903-C-G.
Other names: c.3350G>C, p.Gly1117Ala (NM_001293306.2); c.3059G>C, p.Gly1020Ala (NM_001293307.2); short protein forms G1020A, G1118A, G1117A.
Identifiers: ClinVar variation 3950872 (VCV003950872.1).